The following is an entry in ClinVar:

NM_032447.5(FBN3):c.2480G>A (p.Gly827Glu)

Gene: FBN3 (fibrillin 3; minus strand). Cytogenetic location: 19p13.2.
Variant type: single nucleotide variant.
Coding change: c.2480G>A on transcript NM_032447.5 (MANE Select); coding-DNA position 2480, G replaced by A.
Protein change: p.Gly827Glu; replaces glycine 827 with glutamic acid.
Molecular consequence: missense variant.
Genome position (GRCh38, 1-based): chr19:8,126,542, C>T on the plus strand (G>A on the coding strand, the complement: FBN3 is on the minus strand). VCF-style: chr19-8126542-C-T. GRCh37 (hg19) VCF-style: chr19-8191426-C-T.
Other names: c.2480G>A, p.Gly827Glu (NM_001321431.2); short protein forms G827E.
Identifiers: ClinVar variation 4741929 (VCV004741929.1).

ClinVar aggregate classification (germline): Uncertain significance (1 of 4 stars; one submission).

Submission:

Labcorp Genetics (formerly Invitae), Labcorp
Classification: Uncertain significance. Last evaluated: 2025-09-13. Review status: criteria provided, single submitter. Criteria: Invitae Variant Classification Sherloc (09022015). Collection method: clinical testing. Allele origin: germline.
Comment: This sequence change replaces glycine, which is neutral and non-polar, with glutamic acid, which is acidic and polar, at codon 827 of the FBN3 protein (p.Gly827Glu). This variant is not present in population databases (gnomAD no frequency). This variant has not been reported in the literature in individuals affected with FBN3-related conditions. Invitae Evidence Modeling of protein sequence and biophysical properties (such as structural, functional, and spatial information, amino acid conservation, physicochemical variation, residue mobility, and thermodynamic stability) indicates that this missense variant is expected to disrupt FBN3 protein function with a positive predictive value of 80%. In summary, the available evidence is currently insufficient to determine the role of this variant in disease. Therefore, it has been classified as a Variant of Uncertain Significance.